The following is an entry in ClinVar:

NM_001166108.2(PALLD):c.1035G>C (p.Leu345Phe)

Gene: PALLD (palladin, cytoskeletal associated protein; plus strand). Cytogenetic location: 4q32.3.
Variant type: single nucleotide variant.
Coding change: c.1035G>C on transcript NM_001166108.2 (MANE Select); coding-DNA position 1035, G replaced by C.
Protein change: p.Leu345Phe; replaces leucine 345 with phenylalanine.
Molecular consequence: missense variant. On other transcripts: 5 prime UTR variant (1).
Genome position (GRCh38, 1-based): chr4:168,668,316, G>C. VCF-style: chr4-168668316-G-C. GRCh37 (hg19) VCF-style: chr4-169589467-G-C.
Other names: c.-112G>C (NM_001166109.2); c.1035G>C, p.Leu345Phe (NM_016081.4); short protein forms L345F.
Identifiers: ClinVar variation 3304043 (VCV003304043.1).

ClinVar aggregate classification (germline): Uncertain significance (1 of 4 stars; one submission).

Submission:

Ambry Genetics
Classification: Uncertain significance. Last evaluated: 2024-03-22. Review status: criteria provided, single submitter. Criteria: Ambry Variant Classification Scheme 2023. Collection method: clinical testing. Allele origin: germline.
Comment: The p.L345F variant (also known as c.1035G>C), located in coding exon 2 of the PALLD gene, results from a G to C substitution at nucleotide position 1035. The leucine at codon 345 is replaced by phenylalanine, an amino acid with highly similar properties. This amino acid position is conserved. In addition, this alteration is predicted to be tolerated by in silico analysis. Based on the available evidence, the clinical significance of this alteration remains unclear.